The following is an entry in ClinVar:

ClinVar aggregate classification (germline): Uncertain significance (1 of 4 stars; one submission).

Submission:

Labcorp Genetics (formerly Invitae), Labcorp
Classification: Uncertain significance. Last evaluated: 2024-12-05. Review status: criteria provided, single submitter. Criteria: Invitae Variant Classification Sherloc (09022015). Collection method: clinical testing. Allele origin: germline.
Comment: This sequence change replaces aspartic acid, which is acidic and polar, with valine, which is neutral and non-polar, at codon 514 of the IMPG1 protein (p.Asp514Val). This variant is not present in population databases (gnomAD no frequency). This variant has not been reported in the literature in individuals affected with IMPG1-related conditions. ClinVar contains an entry for this variant (Variation ID: 1461124). An algorithm developed to predict the effect of missense changes on protein structure and function (PolyPhen-2) suggests that this variant is likely to be disruptive. In summary, the available evidence is currently insufficient to determine the role of this variant in disease. Therefore, it has been classified as a Variant of Uncertain Significance.

NM_001563.4(IMPG1):c.1541A>T (p.Asp514Val)

Gene: IMPG1 (interphotoreceptor matrix proteoglycan 1; minus strand). Cytogenetic location: 6q14.1.
Variant type: single nucleotide variant.
Coding change: c.1541A>T on transcript NM_001563.4 (MANE Select); coding-DNA position 1541, A replaced by T.
Protein change: p.Asp514Val; replaces aspartic acid 514 with valine.
Molecular consequence: missense variant.
Genome position (GRCh38, 1-based): chr6:75,950,845, T>A on the plus strand (A>T on the coding strand, the complement: IMPG1 is on the minus strand). VCF-style: chr6-75950845-T-A. GRCh37 (hg19) VCF-style: chr6-76660562-T-A.
Other names: c.1307A>T, p.Asp436Val (NM_001282368.2); short protein forms D436V, D514V.
Identifiers: ClinVar variation 1461124 (VCV001461124.8), dbSNP rs2149457598, ClinGen allele CA364777755.